The following is an entry in ClinVar:

ClinVar aggregate classification (germline): Conflicting classifications of pathogenicity. Review status: criteria provided, conflicting classifications (1 of 4 stars). 3 submissions from 3 submitters: Likely pathogenic (1); Uncertain significance (2). Last evaluated 2026-04-05.

Conditions:
POLG-related disorder. Also called: POLG-related condition; POLG-Related Disorders; POLG-Related Spectrum Disorders. Identifiers: MedGen C4763519.
Progressive sclerosing poliodystrophy (MTDPS4A). Also called: Mitochondrial DNA depletion syndrome 4A (Alpers type); Alpers Syndrome; NEURONAL DEGENERATION OF CHILDHOOD WITH LIVER DISEASE, PROGRESSIVE; ALPERS PROGRESSIVE INFANTILE POLIODYSTROPHY; ALPERS DIFFUSE DEGENERATION OF CEREBRAL GRAY MATTER WITH HEPATIC CIRRHOSIS; Alpers-Huttenlocher Syndrome. Identifiers: Orphanet 726, MedGen C0205710, MONDO:0008758, OMIM 203700.

Allele frequency attached by ClinVar (database versions not stated): ExAC 0.00001; gnomAD 0.00001; TOPMed 0.00001; gnomAD exomes 0.00002.

Submissions (3):

PreventionGenetics, part of Exact Sciences
Classification: Uncertain significance for POLG-related condition. Last evaluated: 2026-04-05. Review status: criteria provided, single submitter. Criteria: ACMG Guidelines, 2015. Collection method: clinical testing. Allele origin: germline.
Comment: The POLG c.1300T>C variant is predicted to result in the amino acid substitution p.Tyr434His. To our knowledge, this variant has not been reported in the literature. This variant is reported in 0.0058% of alleles in individuals of Latino descent in gnomAD. At this time, the clinical significance of this variant is uncertain due to the absence of conclusive functional and genetic evidence.

Labcorp Genetics (formerly Invitae), Labcorp
Classification: Uncertain significance for Progressive sclerosing poliodystrophy. Last evaluated: 2022-06-14. Review status: criteria provided, single submitter. Criteria: Invitae Variant Classification Sherloc (09022015). Collection method: clinical testing. Allele origin: germline.
Comment: This sequence change replaces tyrosine, which is neutral and polar, with histidine, which is basic and polar, at codon 434 of the POLG protein (p.Tyr434His). This variant is present in population databases (rs775538075, gnomAD 0.006%). This variant has not been reported in the literature in individuals affected with POLG-related conditions. ClinVar contains an entry for this variant (Variation ID: 206592). Algorithms developed to predict the effect of missense changes on protein structure and function (SIFT, PolyPhen-2, Align-GVGD) all suggest that this variant is likely to be disruptive. In summary, the available evidence is currently insufficient to determine the role of this variant in disease. Therefore, it has been classified as a Variant of Uncertain Significance.

GeneDx
Classification: Likely pathogenic. Last evaluated: 2012-12-12. Review status: criteria provided, single submitter. Criteria: GeneDx Variant Classification (06012015). Collection method: clinical testing. Allele origin: germline. Affected: yes.
Comment: p.Tyr434His (TAC>CAC): c.1300 T>C in exon 7 of the POLG gene (NM_002693.2). It has not been published as a mutation, nor has it been reported as a benign polymorphism to our knowledge. The amino acid change is non-conservative in that an uncharged Tyrosine residue is replaced by a positively charged Histidine residue at a highly conserved position in the POLG protein. Furthermore, multiple missense mutations at nearby positions (L428P, M430L, M430T, G431V, S433C, R443C) have been reported as disease-associated mutations. However, in-silico analyses are not consistent in their predictions of whether or not Y434H is damaging to the POLG protein. Therefore, Y434H is a strong candidate for a disease-causing mutation, however the possibility that it is a benign variant cannot be excluded. The variant is found in MITONUC-MITOP panel(s).

NM_002693.3(POLG):c.1300T>C (p.Tyr434His)

Gene: POLG (DNA polymerase gamma, catalytic subunit; minus strand). Cytogenetic location: 15q26.1.
Variant type: single nucleotide variant.
Coding change: c.1300T>C on transcript NM_002693.3 (MANE Select); coding-DNA position 1300, T replaced by C.
Protein change: p.Tyr434His; replaces tyrosine 434 with histidine.
Molecular consequence: missense variant.
Genome position (GRCh38, 1-based): chr15:89,327,300, A>G on the plus strand (T>C on the coding strand, the complement: POLG is on the minus strand). VCF-style: chr15-89327300-A-G. GRCh37 (hg19) VCF-style: chr15-89870531-A-G.
Other names: p.Y434H:TAC>CAC; c.1300T>C, p.Tyr434His (NM_001126131.2); short protein forms Y434H.
Identifiers: ClinVar variation 206592 (VCV000206592.8), dbSNP rs775538075, ClinGen allele CA316826.
Genomic context (GRCh38, chr15:89,327,300, plus strand): 5'-CCTCATAAGTGCCCTGTGCCTCTGCCAGGTAACGCTCCCAGTTCTGGTTGACAGGCAGGT[A>G]GGAGACACCCATCTCCAGCATGCCGGCCAGAGTCACTGGGTGGGGACACCTTGGAGGCAA-3'
Protein context (NP_002684.1, residues 424-444): LAGMLEMGVS[Tyr434His]LPVNQNWERY